The following is an entry in ClinVar:

ClinVar aggregate classification (germline): Benign. Review status: criteria provided, multiple submitters, no conflicts (2 of 4 stars). 2 submissions from 2 submitters: Benign (2). Last evaluated 2018-01-13.

Conditions:
Heterotaxy, visceral, 4, autosomal (HTX4). Identifiers: Orphanet 450, MedGen C3151057, MONDO:0013403, OMIM 613751.

Allele frequency attached by ClinVar (database versions not stated): gnomAD exomes 0.02622; gnomAD 0.05884 and 0.06143; TOPMed 0.06940; 1000 Genomes Project 30x 0.09369; 1000 Genomes Project 0.09385.
gnomAD v4.1: 9,306 of 152,726 alleles (6.1%); highest among the groups gnomAD compares: East Asian, 19%; 454 homozygotes.

Submissions (2):

Illumina Laboratory Services, Illumina
Classification: Benign for Heterotaxy, visceral, 4, autosomal. Last evaluated: 2018-01-13. Review status: criteria provided, single submitter. Criteria: ICSL Variant Classification Criteria 13 December 2019. Collection method: clinical testing. Allele origin: germline.
Comment: This variant was observed in the ICSL laboratory as part of a predisposition screen in an ostensibly healthy population. It had not been previously curated by ICSL or reported in the Human Gene Mutation Database (HGMD: prior to June 1st, 2018), and was therefore a candidate for classification through an automated scoring system. Utilizing variant allele frequency, disease prevalence and penetrance estimates, and inheritance mode, an automated score was calculated to assess if this variant is too frequent to cause the disease. Based on the score and internal cut-off values, a variant classified as benign is not then subjected to further curation. The score for this variant resulted in a classification of benign for this disease.

Breakthrough Genomics
Classification: Benign. Review status: criteria provided, single submitter. Criteria: ACMG Guidelines, 2015. Collection method: not provided. Allele origin: germline. Inheritance: Unknown mechanism. Affected: yes.

NM_001106.4(ACVR2B):c.*765G>A

Gene: ACVR2B (activin A receptor type 2B; plus strand). Cytogenetic location: 3p22.2.
Variant type: single nucleotide variant.
Coding change: c.*765G>A on transcript NM_001106.4 (MANE Select); 765 bases downstream of the stop codon, G replaced by A.
Molecular consequence: 3 prime UTR variant.
Genome position (GRCh38, 1-based): chr3:38,484,097, G>A. VCF-style: chr3-38484097-G-A. GRCh37 (hg19) VCF-style: chr3-38525588-G-A.
Identifiers: ClinVar variation 344938 (VCV000344938.6), dbSNP rs12636077, ClinGen allele CA10618554.